The following is an entry in ClinVar:

NM_017780.4(CHD7):c.7879C>T (p.Arg2627Ter)

Gene: CHD7 (chromodomain helicase DNA binding protein 7; plus strand). Cytogenetic location: 8q12.2.
Variant type: single nucleotide variant.
Coding change: c.7879C>T on transcript NM_017780.4 (MANE Select); coding-DNA position 7879, C replaced by T.
Protein change: p.Arg2627Ter; replaces arginine 2627 with a stop codon.
Molecular consequence: nonsense.
Genome position (GRCh38, 1-based): chr8:60,862,244, C>T. VCF-style: chr8-60862244-C-T. GRCh37 (hg19) VCF-style: chr8-61774803-C-T.
Other names: c.7879C>T (LRG_176t1); c.1732C>T, p.Arg578Ter (NM_001316690.1); short protein forms R2627*, R578*.
Identifiers: ClinVar variation 418655 (VCV000418655.58), dbSNP rs1064793346, ClinGen allele CA16618685.
Genomic context (GRCh38, chr8:60,862,244, plus strand): 5'-TTTCTTTTGCAGAAGAATGCAGATGTGCTGTTTTCCTCATTTCAGAAACCGAAACAGAAA[C>T]GACATAGATGTCGAAACCCTAATAAATTGGATATAAACACTTTGACAGGAGAAGAAAGGG-3'

ClinVar aggregate classification (germline): Pathogenic. Review status: criteria provided, multiple submitters, no conflicts (2 of 4 stars). 9 submissions from 9 submitters: Pathogenic (8). 1 of the submissions does not count toward it. Last evaluated 2026-08-06.

Conditions:
CHD7-related disorder. Also called: CHD7-related condition.
CHARGE syndrome (CHARGE). Also called: Hittner Hirsch Kreh syndrome; CHARGE ASSOCIATION--COLOBOMA, HEART ANOMALY, CHOANAL ATRESIA, RETARDATION, GENITAL AND EAR ANOMALIES; Coloboma, heart anomaly, choanal atresia, retardation, genital and ear anomalies; CHARGE association; Hall-Hittner syndrome. Identifiers: Orphanet 138, MedGen C0265354, MONDO:0008965.
Paediatric disorders.

Submissions (9):

NHS Central & South Genomic Laboratory Hub
Classification: Pathogenic for Paediatric disorders. Last evaluated: 2026-08-06. Review status: criteria provided, single submitter. Criteria: ACMG Guidelines, 2015. Collection method: clinical testing. Allele origin: germline. Affected: yes.

Labcorp Genetics (formerly Invitae), Labcorp
Classification: Pathogenic for CHARGE syndrome. Last evaluated: 2024-06-28. Review status: criteria provided, single submitter. Criteria: Invitae Variant Classification Sherloc (09022015). Collection method: clinical testing. Allele origin: germline.
Comment: This sequence change creates a premature translational stop signal (p.Arg2627*) in the CHD7 gene. It is expected to result in an absent or disrupted protein product. Loss-of-function variants in CHD7 are known to be pathogenic (PMID: 22461308, 25077900). This variant is not present in population databases (gnomAD no frequency). This premature translational stop signal has been observed in individual(s) with clinical features of CHARGE syndrome (PMID: 16155193, 26538304, 31019026). ClinVar contains an entry for this variant (Variation ID: 418655). For these reasons, this variant has been classified as Pathogenic.

Baylor Genetics
Classification: Pathogenic for CHD7-related CHARGE syndrome. Last evaluated: 2023-02-06. Review status: criteria provided, single submitter. Criteria: ACMG Guidelines, 2015. Collection method: clinical testing. Allele origin: unknown.

Revvity Omics, Revvity
Classification: Pathogenic. Last evaluated: 2023-02-01. Review status: criteria provided, single submitter. Criteria: ACMG Guidelines, 2015. Collection method: clinical testing. Allele origin: germline.

Laboratory of Medical Genetics, National & Kapodistrian University of Athens
Classification: Pathogenic for CHD7-related CHARGE syndrome. Last evaluated: 2022-12-16. Review status: criteria provided, single submitter. Criteria: ACMG Guidelines, 2015. Collection method: clinical testing. Allele origin: de novo. Affected: yes.
Comment: PVS1, PM2, PP5

GeneDx
Classification: Pathogenic. Last evaluated: 2022-07-15. Review status: criteria provided, single submitter. Criteria: GeneDx Variant Classification Process June 2021. Collection method: clinical testing. Allele origin: germline. Affected: yes.
Comment: Nonsense variant predicted to result in protein truncation or nonsense mediated decay in a gene for which loss-of-function is a known mechanism of disease; Not observed in large population cohorts (gnomAD); This variant is associated with the following publications: (PMID: 25525159, 26538304, 31019026, 32386258, 33888711, 16155193)

CeGaT Center for Human Genetics Tuebingen
Classification: Pathogenic. Last evaluated: 2017-08-01. Review status: criteria provided, single submitter. Criteria: CeGaT Center For Human Genetics Tuebingen Variant Classification Criteria Version 2. Collection method: clinical testing. Allele origin: germline. Affected: yes. Observed: 1 variant allele.

Rady Children's Institute for Genomic Medicine, Rady Children's Hospital San Diego
Classification: Pathogenic for CHARGE SYNDROME. Last evaluated: 2017-05-23. Review status: criteria provided, single submitter. Criteria: ACMG Guidelines, 2015. Collection method: clinical testing. Allele origin: germline. Affected: yes. Observed: 1 variant allele.
Comment: The c.7879C>T (p.Arg2627Ter) variant is a stop-gained variant that is predicted to result in premature termination of the CHD7 protein. This variant is well described in the literature with at least 12 patients affected by CHARGE that carry this variant (PMID: 22461308).The two most frequent variants reported in CHD7, which include p.Arg2627Ter, result in Arginine transitioning to a stop codon. This amino acid position is highly conserved. Based on the combined evidence of the literature and potential functional effects of stop-gained variants, the p.Arg2627Ter variant is classified as pathogenic for CHARGE syndrome.

PreventionGenetics, part of Exact Sciences
Classification: Pathogenic for CHD7-related condition. Last evaluated: 2024-01-18. Review status: no assertion criteria provided. Collection method: clinical testing. Allele origin: germline. Not counted in ClinVar's aggregate classification.
Comment: The CHD7 c.7879C>T variant is predicted to result in premature protein termination (p.Arg2627*). This variant has been reported in individuals with CHARGE syndrome (Janssen et al. 2012. PubMed ID: 22461308; Jongmans et al. 2006. PubMed ID: 16155193; Sohn et al. 2016. PubMed ID: 26538304; Li et al. 2020. PubMed ID: 32386258). This variant has not been reported in a large population database, indicating this variant is rare. Nonsense variants in CHD7 are expected to be pathogenic. This variant is interpreted as pathogenic.

Literature cited by the submitters: PubMed 22461308 (cited by Labcorp Genetics (formerly Invitae), Labcorp); PubMed 25077900 (cited by Labcorp Genetics (formerly Invitae), Labcorp); PubMed 16155193 (cited by Labcorp Genetics (formerly Invitae), Labcorp); PubMed 26538304 (cited by Labcorp Genetics (formerly Invitae), Labcorp); PubMed 31019026 (cited by Labcorp Genetics (formerly Invitae), Labcorp).